The following is an entry in ClinVar:

ClinVar aggregate classification (germline): Uncertain significance. Review status: criteria provided, multiple submitters, no conflicts (2 of 4 stars). 4 submissions from 4 submitters: Uncertain significance (4). Last evaluated 2025-12-22.

Conditions:
Mitochondrial complex V (ATP synthase) deficiency, nuclear type 1. Also called: MITOCHONDRIAL COMPLEX V (ATP SYNTHASE) DEFICIENCY, ATPAF2 TYPE; Nuclear-Encoded ATPase Deficiency, ATPAF2-Related. Identifiers: Orphanet 254913, MedGen C3276276, MONDO:0011421, OMIM 604273.

Allele frequency attached by ClinVar (database versions not stated): TOPMed 0.00004; gnomAD 0.00005; gnomAD exomes 0.00005 and 0.00007; ExAC 0.00006; ESP Exome Variant Server 0.00008.
gnomAD v4.1: 110 of 1,614,038 alleles (0.0068%); highest among the groups gnomAD compares: Non-Finnish European, 0.0085%; no homozygotes.

Submissions (4):

Labcorp Genetics (formerly Invitae), Labcorp
Classification: Uncertain significance. Last evaluated: 2025-12-22. Review status: criteria provided, single submitter. Criteria: Invitae Variant Classification Sherloc (09022015). Collection method: clinical testing. Allele origin: germline.
Comment: This sequence change replaces glutamic acid, which is acidic and polar, with lysine, which is basic and polar, at codon 84 of the ATPAF2 protein (p.Glu84Lys). This variant is present in population databases (rs373144265, gnomAD 0.01%). This variant has not been reported in the literature in individuals affected with ATPAF2-related conditions. ClinVar contains an entry for this variant (Variation ID: 322096). Invitae Evidence Modeling of protein sequence and biophysical properties (such as structural, functional, and spatial information, amino acid conservation, physicochemical variation, residue mobility, and thermodynamic stability) indicates that this missense variant is not expected to disrupt ATPAF2 protein function with a negative predictive value of 80%. In summary, the available evidence is currently insufficient to determine the role of this variant in disease. Therefore, it has been classified as a Variant of Uncertain Significance.

Ambry Genetics
Classification: Uncertain significance. Last evaluated: 2025-11-20. Review status: criteria provided, single submitter. Criteria: Ambry Variant Classification Scheme 2023. Collection method: clinical testing. Allele origin: germline.

Baylor Genetics
Classification: Uncertain significance for Mitochondrial complex V (ATP synthase) deficiency, nuclear type 1. Last evaluated: 2024-01-23. Review status: criteria provided, single submitter. Criteria: ACMG Guidelines, 2015. Collection method: clinical testing. Allele origin: unknown.

Illumina Laboratory Services, Illumina
Classification: Uncertain significance for Mitochondrial complex V (ATP synthase) deficiency, nuclear type 1. Last evaluated: 2018-01-12. Review status: criteria provided, single submitter. Criteria: ICSL Variant Classification Criteria 13 December 2019. Collection method: clinical testing. Allele origin: germline.

NM_145691.4(ATPAF2):c.250G>A (p.Glu84Lys)

Gene: ATPAF2 (ATP synthase mitochondrial F1 complex assembly factor 2; minus strand). Cytogenetic location: 17p11.2.
Variant type: single nucleotide variant.
Coding change: c.250G>A on transcript NM_145691.4 (MANE Select); coding-DNA position 250, G replaced by A.
Protein change: p.Glu84Lys; replaces glutamic acid 84 with lysine.
Molecular consequence: missense variant.
Genome position (GRCh38, 1-based): chr17:18,028,306, C>T on the plus strand (G>A on the coding strand, the complement: ATPAF2 is on the minus strand). VCF-style: chr17-18028306-C-T. GRCh37 (hg19) VCF-style: chr17-17931620-C-T.
Other names: short protein forms E84K.
Identifiers: ClinVar variation 322096 (VCV000322096.10), dbSNP rs373144265, ClinGen allele CA8421940.